The following is an entry in ClinVar:

NM_024426.6(WT1):c.698A>G (p.Tyr233Cys)

Gene: WT1 (WT1 transcription factor; minus strand). Cytogenetic location: 11p13.
Variant type: single nucleotide variant.
Coding change: c.698A>G on transcript NM_024426.6 (MANE Select); coding-DNA position 698, A replaced by G.
Protein change: p.Tyr233Cys; replaces tyrosine 233 with cysteine.
Molecular consequence: missense variant. On other transcripts: 5 prime UTR variant (1), non-coding transcript variant (2), intron variant (2).
Genome position (GRCh38, 1-based): chr11:32,428,583, T>C on the plus strand (A>G on the coding strand, the complement: WT1 is on the minus strand). VCF-style: chr11-32428583-T-C. GRCh37 (hg19) VCF-style: chr11-32450129-T-C.
Other names: c.698A>G, p.Tyr233Cys (NM_000378.6, NM_001407044.1, NM_001407045.1 and 4 more transcripts); c.47A>G, p.Tyr16Cys (NM_001198551.2, NM_001198552.2); c.-65A>G (NM_001407051.1); c.683A>G, p.Tyr228Cys (NM_024425.2); c.662-525A>G (NM_001407050.1, NM_001407047.1); c.683A>G (NM_024426.4); short protein forms Y16C, Y228C, Y233C.
Identifiers: ClinVar variation 2942867 (VCV002942867.5), dbSNP rs2133075864, ClinGen allele CA379963506.

ClinVar aggregate classification (germline): Uncertain significance. Review status: criteria provided, multiple submitters, no conflicts (2 of 4 stars). 3 submissions from 3 submitters: Uncertain significance (3). Last evaluated 2025-06-29.

Conditions:
Inborn genetic diseases. Identifiers: MedGen C0950123, MeSH D030342.
Frasier syndrome. Identifiers: Orphanet 347, MedGen C0950122, MeSH D052159, MONDO:0007635, OMIM 136680.
Drash syndrome (DDS). Also called: NEPHROPATHY, WILMS TUMOR, AND GENITAL ANOMALIES; WILMS TUMOR AND PSEUDO- OR TRUE HERMAPHRODITISM. Identifiers: Orphanet 220, MedGen C0950121, MONDO:0008682, OMIM 194080.
Wilms tumor 1 (WT1). Also called: Wilms tumor, somatic. Identifiers: Orphanet 654, MedGen CN033288, MONDO:0008679, OMIM 194070.
11p partial monosomy syndrome (WAGR). Also called: CHROMOSOME 11p13 DELETION SYNDROME; WAGR syndrome; WAGR Complex; WAGR Spectrum Disorder. Identifiers: Orphanet 893, MedGen C0206115, MONDO:0008681, OMIM 194072.

Submissions (3):

Ambry Genetics
Classification: Uncertain significance for Inborn genetic diseases. Last evaluated: 2025-06-29. Review status: criteria provided, single submitter. Criteria: Ambry Variant Classification Scheme 2023. Collection method: clinical testing. Allele origin: germline.
Comment: The p.Y228C variant (also known as c.683A>G), located in coding exon 2 of the WT1 gene, results from an A to G substitution at nucleotide position 683. The tyrosine at codon 228 is replaced by cysteine, an amino acid with highly dissimilar properties. This amino acid position is conserved. In addition, this alteration is predicted to be deleterious by in silico analysis. Based on the available evidence, the clinical significance of this variant remains unclear.

Labcorp Genetics (formerly Invitae), Labcorp
Classification: Uncertain significance for Wilms tumor 1; Drash syndrome; 11p partial monosomy syndrome; Frasier syndrome. Last evaluated: 2024-10-08. Review status: criteria provided, single submitter. Criteria: Invitae Variant Classification Sherloc (09022015). Collection method: clinical testing. Allele origin: germline.
Comment: This sequence change replaces tyrosine, which is neutral and polar, with cysteine, which is neutral and slightly polar, at codon 228 of the WT1 protein (p.Tyr228Cys). This variant is not present in population databases (gnomAD no frequency). This variant has not been reported in the literature in individuals affected with WT1-related conditions. Invitae Evidence Modeling of protein sequence and biophysical properties (such as structural, functional, and spatial information, amino acid conservation, physicochemical variation, residue mobility, and thermodynamic stability) has been performed for this missense variant. However, the output from this modeling did not meet the statistical confidence thresholds required to predict the impact of this variant on WT1 protein function. In summary, the available evidence is currently insufficient to determine the role of this variant in disease. Therefore, it has been classified as a Variant of Uncertain Significance.

GeneDx
Classification: Uncertain significance. Last evaluated: 2023-11-15. Review status: criteria provided, single submitter. Criteria: GeneDx Variant Classification Process June 2021. Collection method: clinical testing. Allele origin: germline. Affected: yes.
Comment: Not observed at significant frequency in large population cohorts (gnomAD); In silico analysis supports that this missense variant has a deleterious effect on protein structure/function; Has not been previously published as pathogenic or benign to our knowledge; This variant is associated with the following publications: (PMID: 8486616)